The following is an entry in ClinVar:

ClinVar aggregate classification (germline): Likely benign. Review status: criteria provided, single submitter (1 of 4 stars). 2 submissions from 2 submitters: Likely benign (1). 1 of the submissions does not count toward it. Last evaluated 2025-12-17.

Conditions:
FCSK-related disorder. Also called: FCSK-related condition.

Allele frequency attached by ClinVar (database versions not stated): gnomAD exomes 0.00017; ExAC 0.00049; 1000 Genomes Project 30x 0.00094; 1000 Genomes Project 0.00100; gnomAD 0.00158; TOPMed 0.00177; ESP Exome Variant Server 0.00193.
gnomAD v4.1: 493 of 1,614,026 alleles (0.031%); highest among the groups gnomAD compares: African/African-American, 0.58%; 2 homozygotes.

Submissions (2):

Labcorp Genetics (formerly Invitae), Labcorp
Classification: Likely benign. Last evaluated: 2025-12-17. Review status: criteria provided, single submitter. Criteria: Invitae Variant Classification Sherloc (09022015). Collection method: clinical testing. Allele origin: germline.

PreventionGenetics, part of Exact Sciences
Classification: Likely benign for FCSK-related condition. Last evaluated: 2019-12-24. Review status: no assertion criteria provided. Collection method: clinical testing. Allele origin: germline. Not counted in ClinVar's aggregate classification.
Comment: This variant is classified as likely benign based on ACMG/AMP sequence variant interpretation guidelines (Richards et al. 2015 PMID: 25741868, with internal and published modifications).

NM_145059.3(FCSK):c.2815C>T (p.Arg939Trp)

Gene: FCSK (fucose kinase; plus strand). Cytogenetic location: 16q22.1.
Variant type: single nucleotide variant.
Coding change: c.2815C>T on transcript NM_145059.3 (MANE Select); coding-DNA position 2815, C replaced by T.
Protein change: p.Arg939Trp; replaces arginine 939 with tryptophan.
Molecular consequence: missense variant.
Genome position (GRCh38, 1-based): chr16:70,478,445, C>T. VCF-style: chr16-70478445-C-T. GRCh37 (hg19) VCF-style: chr16-70512348-C-T.
Other names: c.2815C>T (NM_145059.2); short protein forms R939W.
Identifiers: ClinVar variation 2070046 (VCV002070046.6), dbSNP rs17883248, ClinGen allele CA8143737.